The following is an entry in ClinVar:

NM_000193.4(SHH):c.1042C>T (p.Leu348Phe)

Gene: SHH (sonic hedgehog signaling molecule; minus strand). Cytogenetic location: 7q36.3.
Variant type: single nucleotide variant.
Coding change: c.1042C>T on transcript NM_000193.4 (MANE Select); coding-DNA position 1042, C replaced by T.
Protein change: p.Leu348Phe; replaces leucine 348 with phenylalanine.
Molecular consequence: missense variant. On other transcripts: intron variant (1).
Genome position (GRCh38, 1-based): chr7:155,803,247, G>A on the plus strand (C>T on the coding strand, the complement: SHH is on the minus strand). VCF-style: chr7-155803247-G-A. GRCh37 (hg19) VCF-style: chr7-155595941-G-A.
Other names: c.302-3002C>T (NM_001310462.2); short protein forms L348F.
Identifiers: ClinVar variation 4279897 (VCV004279897.1).

ClinVar aggregate classification (germline): Uncertain significance (1 of 4 stars; one submission).

Conditions:
Solitary median maxillary central incisor syndrome. Also called: SINGLE CENTRAL MAXILLARY INCISOR; FUSED INCISORS; Solitary median maxillary central incisor; SMMCI SYNDROME; Single Central Incisor Syndrome. Identifiers: MedGen C1840235, MONDO:0007819, OMIM 147250, HP:0006315.

Submission:

Clinical Genomics Laboratory, Washington University in St. Louis
Classification: Uncertain significance for Solitary median maxillary central incisor syndrome. Last evaluated: 2025-09-02. Review status: criteria provided, single submitter. Criteria: ACMG Guidelines, 2015. Collection method: clinical testing. Allele origin: germline.
Comment: The SHH c.1042C>T (p.Leu348Phe) variant, to our knowledge, has not been reported in the medical literature and is absent from the general population (gnomAD v.2.1.1), indicating it is not a common variant. Computational predictors indicate that the variant is damaging, evidence that correlates with impact to SHH function. Additionally, missense variants in the codon upstream of this variant (p.Pro347Arg, p.Pro347Leu, p.Pro347Gln) are considered pathogenic or likely pathogenic (ClinVar Variation IDs: 282694, 545575, 3345617). However, due to limited information, and based on ACMG/AMP guidelines for variant interpretation (Richards S et al., PMID: 25741868), the clinical significance of this variant is uncertain at this time.